The following is an entry in ClinVar:

NM_182961.4(SYNE1):c.21131G>C (p.Arg7044Thr)

Gene: SYNE1 (spectrin repeat containing nuclear envelope protein 1; minus strand). Cytogenetic location: 6q25.2.
Variant type: single nucleotide variant.
Coding change: c.21131G>C on transcript NM_182961.4 (MANE Select); coding-DNA position 21131, G replaced by C.
Protein change: p.Arg7044Thr; replaces arginine 7044 with threonine.
Molecular consequence: missense variant.
Genome position (GRCh38, 1-based): chr6:152,230,611, C>G on the plus strand (G>C on the coding strand, the complement: SYNE1 is on the minus strand). VCF-style: chr6-152230611-C-G. GRCh37 (hg19) VCF-style: chr6-152551746-C-G.
Other names: c.20918G>C, p.Arg6973Thr (NM_033071.5); short protein forms R7044T, R6973T.
Identifiers: ClinVar variation 4792040 (VCV004792040.1).

ClinVar aggregate classification (germline): Uncertain significance (1 of 4 stars; one submission).

Conditions:
Emery-Dreifuss muscular dystrophy 4, autosomal dominant (EDMD4). Also called: EMERY-DREIFUSS MUSCULAR DYSTROPHY 4 WITH VARIABLE FEATURES. Identifiers: Orphanet 261, MedGen C2751807, MONDO:0013071, OMIM 612998.
Autosomal recessive ataxia, Beauce type. Also called: Spinocerebellar ataxia, autosomal recessive 8; ATAXIA, RECESSIVE, OF BEAUCE; SYNE1 Deficiency; SYNE1-Related Autosomal Recessive Cerebellar Ataxia. Identifiers: Orphanet 88644, MedGen C1853116, MONDO:0012549, OMIM 610743.

gnomAD v4.1: 47 of 1,613,950 alleles (0.0029%); highest among the groups gnomAD compares: Non-Finnish European, 0.004%; no homozygotes.

Submission:

Labcorp Genetics (formerly Invitae), Labcorp
Classification: Uncertain significance for Emery-Dreifuss muscular dystrophy 4, autosomal dominant; Autosomal recessive ataxia, Beauce type. Last evaluated: 2025-12-26. Review status: criteria provided, single submitter. Criteria: Invitae Variant Classification Sherloc (09022015). Collection method: clinical testing. Allele origin: germline.
Comment: This sequence change replaces arginine, which is basic and polar, with threonine, which is neutral and polar, at codon 6973 of the SYNE1 protein (p.Arg6973Thr). This variant is not present in population databases (gnomAD no frequency). This variant has not been reported in the literature in individuals affected with SYNE1-related conditions. An algorithm developed to predict the effect of missense changes on protein structure and function (PolyPhen-2) suggests that this variant is likely to be tolerated. In summary, the available evidence is currently insufficient to determine the role of this variant in disease. Therefore, it has been classified as a Variant of Uncertain Significance.